The following is an entry in ClinVar:

ClinVar aggregate classification (germline): Uncertain significance (1 of 4 stars; one submission).

Conditions:
Bloom syndrome (BLM). Also called: Bloom-Torre-Machacek syndrome. Identifiers: Orphanet 125, MedGen C0005859, MONDO:0008876, OMIM 210900.

Submission:

Labcorp Genetics (formerly Invitae), Labcorp
Classification: Uncertain significance for Bloom syndrome. Last evaluated: 2025-11-10. Review status: criteria provided, single submitter. Criteria: Invitae Variant Classification Sherloc (09022015). Collection method: clinical testing. Allele origin: germline.
Comment: This sequence change replaces valine, which is neutral and non-polar, with leucine, which is neutral and non-polar, at codon 1077 of the BLM protein (p.Val1077Leu). This variant is not present in population databases (gnomAD no frequency). This variant has not been reported in the literature in individuals affected with BLM-related conditions. ClinVar contains an entry for this variant (Variation ID: 1523384). Invitae Evidence Modeling of protein sequence and biophysical properties (such as structural, functional, and spatial information, amino acid conservation, physicochemical variation, residue mobility, and thermodynamic stability) indicates that this missense variant is not expected to disrupt BLM protein function with a negative predictive value of 80%. In summary, the available evidence is currently insufficient to determine the role of this variant in disease. Therefore, it has been classified as a Variant of Uncertain Significance.

NM_000057.4(BLM):c.3229G>T (p.Val1077Leu)

Gene: BLM (BLM RecQ like helicase; plus strand). Cytogenetic location: 15q26.1.
Variant type: single nucleotide variant.
Coding change: c.3229G>T on transcript NM_000057.4 (MANE Select); coding-DNA position 3229, G replaced by T.
Protein change: p.Val1077Leu; replaces valine 1077 with leucine.
Molecular consequence: missense variant.
Genome position (GRCh38, 1-based): chr15:90,798,208, G>T. VCF-style: chr15-90798208-G-T. GRCh37 (hg19) VCF-style: chr15-91341438-G-T.
Other names: c.3229G>T, p.Val1077Leu (NM_001287246.2, NM_001287247.2); c.2104G>T, p.Val702Leu (NM_001287248.2); short protein forms V702L, V1077L.
Identifiers: ClinVar variation 1523384 (VCV001523384.8), dbSNP rs779096973, ClinGen allele CA393847141.
Genomic context (GRCh38, chr15:90,798,208, plus strand): 5'-TTACCTTAATTATAGCAGAAAGTATTCTCTTTTTATTCATAGGATTATAAAACAAGAGAT[G>T]TGACTGACGATGTGAAAAGTATTGTAAGATTTGTTCAAGAACATAGTTCATCACAAGGAA-3'
Protein context (NP_000048.1, residues 1067-1087): CKTKDYKTRD[Val1077Leu]TDDVKSIVRF